The following is an entry in ClinVar:

ClinVar aggregate classification (germline): Uncertain significance (1 of 4 stars; one submission).

Allele frequency attached by ClinVar (database versions not stated): TOPMed 0.00001.

Submission:

Labcorp Genetics (formerly Invitae), Labcorp
Classification: Uncertain significance. Last evaluated: 2024-05-15. Review status: criteria provided, single submitter. Criteria: Invitae Variant Classification Sherloc (09022015). Collection method: clinical testing. Allele origin: germline.
Comment: This sequence change replaces methionine, which is neutral and non-polar, with isoleucine, which is neutral and non-polar, at codon 109 of the MAGEL2 protein (p.Met109Ile). This variant is not present in population databases (gnomAD no frequency). This variant has not been reported in the literature in individuals affected with MAGEL2-related conditions. Experimental studies and prediction algorithms are not available or were not evaluated, and the functional significance of this variant is currently unknown. In summary, the available evidence is currently insufficient to determine the role of this variant in disease. Therefore, it has been classified as a Variant of Uncertain Significance.

NM_019066.5(MAGEL2):c.327G>C (p.Met109Ile)

Gene: MAGEL2 (MAGE family member L2; minus strand). Cytogenetic location: 15q11.2.
Variant type: single nucleotide variant.
Coding change: c.327G>C on transcript NM_019066.5 (MANE Select); coding-DNA position 327, G replaced by C.
Protein change: p.Met109Ile; replaces methionine 109 with isoleucine.
Molecular consequence: missense variant.
Genome position (GRCh38, 1-based): chr15:23,647,416, C>G on the plus strand (G>C on the coding strand, the complement: MAGEL2 is on the minus strand). VCF-style: chr15-23647416-C-G. GRCh37 (hg19) VCF-style: chr15-23892563-C-G.
Other names: short protein forms M109I.
Identifiers: ClinVar variation 3023053 (VCV003023053.3), dbSNP rs1595334063, ClinGen allele CA391337448.